The following is an entry in ClinVar:

ClinVar aggregate classification (germline): Uncertain significance. Review status: criteria provided, multiple submitters, no conflicts (2 of 4 stars). 2 submissions from 2 submitters: Uncertain significance (2). Last evaluated 2025-07-21.

Conditions:
MYO7A-related disorder. Also called: MYO7A-related disorders.

gnomAD v4.1: 10 of 1,613,034 alleles (0.00062%); highest among the groups gnomAD compares: East Asian, 0.0067%; no homozygotes.

Submissions (2):

Labcorp Genetics (formerly Invitae), Labcorp
Classification: Uncertain significance. Last evaluated: 2025-07-21. Review status: criteria provided, single submitter. Criteria: Invitae Variant Classification Sherloc (09022015). Collection method: clinical testing. Allele origin: germline.
Comment: This sequence change replaces arginine, which is basic and polar, with glutamine, which is neutral and polar, at codon 974 of the MYO7A protein (p.Arg974Gln). This variant is not present in population databases (gnomAD no frequency). This variant has not been reported in the literature in individuals affected with MYO7A-related conditions. ClinVar contains an entry for this variant (Variation ID: 3730239). Invitae Evidence Modeling of protein sequence and biophysical properties (such as structural, functional, and spatial information, amino acid conservation, physicochemical variation, residue mobility, and thermodynamic stability) indicates that this missense variant is not expected to disrupt MYO7A protein function with a negative predictive value of 95%. In summary, the available evidence is currently insufficient to determine the role of this variant in disease. Therefore, it has been classified as a Variant of Uncertain Significance.

PreventionGenetics, part of Exact Sciences
Classification: Uncertain significance for MYO7A-related condition. Last evaluated: 2025-03-17. Review status: criteria provided, single submitter. Criteria: ACMG Guidelines, 2015. Collection method: clinical testing. Allele origin: germline.
Comment: The MYO7A c.2921G>A variant is predicted to result in the amino acid substitution p.Arg974Gln. To our knowledge, this variant has not been reported in the literature or in a large population database (gnomad), indicating that the variant is rare. At this time, the clinical significance of this variant is uncertain due to the absence of conclusive functional and genetic evidence.

NM_000260.4(MYO7A):c.2921G>A (p.Arg974Gln)

Gene: MYO7A (myosin VIIA; plus strand). Cytogenetic location: 11q13.5.
Variant type: single nucleotide variant.
Coding change: c.2921G>A on transcript NM_000260.4 (MANE Select); coding-DNA position 2921, G replaced by A.
Protein change: p.Arg974Gln; replaces arginine 974 with glutamine.
Molecular consequence: missense variant.
Genome position (GRCh38, 1-based): chr11:77,181,967, G>A. VCF-style: chr11-77181967-G-A. GRCh37 (hg19) VCF-style: chr11-76893013-G-A.
Other names: c.2921G>A (NM_000260.3); c.2921G>A, p.Arg974Gln (NM_001127180.2); c.2888G>A, p.Arg963Gln (NM_001369365.1); short protein forms R963Q, R974Q.
Identifiers: ClinVar variation 3730239 (VCV003730239.3).